The following is an entry in ClinVar:

NM_000059.4(BRCA2):c.9257-7A>G

Gene: BRCA2 (BRCA2 DNA repair associated; plus strand). Cytogenetic location: 13q13.1.
Variant type: single nucleotide variant.
Coding change: c.9257-7A>G on transcript NM_000059.4 (MANE Select); 7 bases into the intron before coding-DNA position 9257, A replaced by G.
Molecular consequence: intron variant.
Genome position (GRCh38, 1-based): chr13:32,394,682, A>G. VCF-style: chr13-32394682-A-G. GRCh37 (hg19) VCF-style: chr13-32968819-A-G.
Identifiers: ClinVar variation 681579 (VCV000681579.1), dbSNP rs1225909045, ClinGen allele CA609093420.
Genomic context (GRCh38, chr13:32,394,682, plus strand): 5'-TTTCTTGCATCTTAAAATTCATCTAACACATCTATAATAACATTCTTTTCTTTTTTTTCC[A>G]TTCTAGGACTTGCCCCTTTCGTCTATTTGTCAGACGAATGTTACAATTTACTGGCAATAA-3'

ClinVar aggregate classification (germline): Likely benign (1 of 4 stars; one submission).

Allele frequency attached by ClinVar (database versions not stated): gnomAD exomes below 0.00001; gnomAD 0.00001.
gnomAD v4.1: 2 of 1,610,968 alleles (0.00012%); highest among the groups gnomAD compares: African/African-American, 0.0013%; no homozygotes.

Submission:

GeneDx
Classification: Likely benign. Last evaluated: 2018-04-02. Review status: criteria provided, single submitter. Criteria: GeneDx Variant Classification (06012015). Collection method: clinical testing. Allele origin: germline. Affected: yes.
Comment: This variant is considered likely benign or benign based on one or more of the following criteria: it is a conservative change, it occurs at a poorly conserved position in the protein, it is predicted to be benign by multiple in silico algorithms, and/or has population frequency not consistent with disease.